The following is an entry in ClinVar:

ClinVar aggregate classification (germline): Likely benign (0 of 4 stars; one submission).

Conditions:
PYGL-related disorder. Also called: PYGL-related condition.

Submission:

PreventionGenetics, part of Exact Sciences
Classification: Likely benign for PYGL-related condition. Last evaluated: 2020-10-21. Review status: no assertion criteria provided. Collection method: clinical testing. Allele origin: germline.
Comment: This variant is classified as likely benign based on ACMG/AMP sequence variant interpretation guidelines (Richards et al. 2015 PMID: 25741868, with internal and published modifications).

NM_002863.5(PYGL):c.390T>A (p.Ala130=)

Gene: PYGL (glycogen phosphorylase L; minus strand). Cytogenetic location: 14q22.1.
Variant type: single nucleotide variant.
Coding change: c.390T>A on transcript NM_002863.5 (MANE Select); coding-DNA position 390, T replaced by A.
Protein change: p.Ala130=; no amino-acid change (alanine 130 retained).
Molecular consequence: synonymous variant.
Genome position (GRCh38, 1-based): chr14:50,935,141, A>T on the plus strand (T>A on the coding strand, the complement: PYGL is on the minus strand). VCF-style: chr14-50935141-A-T. GRCh37 (hg19) VCF-style: chr14-51401859-A-T.
Other names: c.288T>A, p.Ala96= (NM_001163940.2).
Identifiers: ClinVar variation 3055144 (VCV003055144.2), dbSNP rs1318897871, ClinGen allele CA486385474.
Genomic context (GRCh38, chr14:50,935,141, plus strand): 5'-TATAATACACTCACAATGTCACTTACCAGCAAGTCTCCCAAGACCACCATTGCCAAGTCC[A>T]GCATCTTCTTCAATTTCTTCTAACTCTTCTATATCCAATCCAAGCTGGTAATGAAAGGAA-3'
Protein context (NP_002854.3, residues 120-140): IEELEEIEED[Ala130=]GLGNGGLGRL